The following is an entry in ClinVar:

NM_006767.4(LZTR1):c.1194C>A (p.Asp398Glu)

Gene: LZTR1 (leucine zipper like post translational regulator 1; plus strand). Cytogenetic location: 22q11.21.
Variant type: single nucleotide variant.
Coding change: c.1194C>A on transcript NM_006767.4 (MANE Select); coding-DNA position 1194, C replaced by A.
Protein change: p.Asp398Glu; replaces aspartic acid 398 with glutamic acid.
Molecular consequence: missense variant.
Genome position (GRCh38, 1-based): chr22:20,992,838, C>A. VCF-style: chr22-20992838-C-A. GRCh37 (hg19) VCF-style: chr22-21347127-C-A.
Other names: short protein forms D398E.
Identifiers: ClinVar variation 1745589 (VCV001745589.5), dbSNP rs557960320, ClinGen allele CA10118760.

ClinVar aggregate classification (germline): Conflicting classifications of pathogenicity. Review status: criteria provided, conflicting classifications (1 of 4 stars). 2 submissions from 2 submitters: Uncertain significance (1); Likely benign (1). Last evaluated 2024-11-15.

Conditions:
Cardiovascular phenotype. Identifiers: MedGen CN230736.
Hereditary cancer-predisposing syndrome. Also called: Hereditary Cancer Syndrome; Neoplastic Syndromes, Hereditary; Tumor predisposition; Hereditary neoplastic syndrome. Identifiers: Orphanet 140162, MedGen C0027672, MeSH D009386, MONDO:0015356.

Allele frequency attached by ClinVar (database versions not stated): 1000 Genomes Project 30x 0.00016.
gnomAD v4.1: 8 of 1,609,592 alleles (0.0005%); highest among the groups gnomAD compares: South Asian, 0.0033%; no homozygotes.

Submissions (2):

Labcorp Genetics (formerly Invitae), Labcorp
Classification: Uncertain significance. Last evaluated: 2024-11-15. Review status: criteria provided, single submitter. Criteria: Invitae Variant Classification Sherloc (09022015). Collection method: clinical testing. Allele origin: germline.
Comment: This sequence change replaces aspartic acid, which is acidic and polar, with glutamic acid, which is acidic and polar, at codon 398 of the LZTR1 protein (p.Asp398Glu). The frequency data for this variant in the population databases is considered unreliable, as metrics indicate poor data quality at this position in the gnomAD database. This variant has not been reported in the literature in individuals affected with LZTR1-related conditions. ClinVar contains an entry for this variant (Variation ID: 1745589). Invitae Evidence Modeling of protein sequence and biophysical properties (such as structural, functional, and spatial information, amino acid conservation, physicochemical variation, residue mobility, and thermodynamic stability) indicates that this missense variant is not expected to disrupt LZTR1 protein function with a negative predictive value of 80%. In summary, the available evidence is currently insufficient to determine the role of this variant in disease. Therefore, it has been classified as a Variant of Uncertain Significance.

Ambry Genetics
Classification: Likely benign for Cardiovascular phenotype; Hereditary cancer-predisposing syndrome. Last evaluated: 2024-08-23. Review status: criteria provided, single submitter. Criteria: Ambry Variant Classification Scheme 2023. Collection method: clinical testing. Allele origin: germline.